The following is an entry in ClinVar:

ClinVar aggregate classification (germline): Pathogenic. Review status: criteria provided, multiple submitters, no conflicts (2 of 4 stars). 2 submissions from 2 submitters: Pathogenic (2). Last evaluated 2017-11-08.

Conditions:
CHARGE syndrome (CHARGE). Also called: Hittner Hirsch Kreh syndrome; CHARGE ASSOCIATION--COLOBOMA, HEART ANOMALY, CHOANAL ATRESIA, RETARDATION, GENITAL AND EAR ANOMALIES; Coloboma, heart anomaly, choanal atresia, retardation, genital and ear anomalies; CHARGE association; Hall-Hittner syndrome. Identifiers: Orphanet 138, MedGen C0265354, MONDO:0008965.

Submissions (2):

Institute of Human Genetics, University of Leipzig Medical Center
Classification: Pathogenic for CHD7-related CHARGE syndrome. Last evaluated: 2017-11-08. Review status: criteria provided, single submitter. Criteria: ACMG Guidelines, 2015. Collection method: clinical testing. Allele origin: germline. Affected: yes. Observed: 1 variant allele.

GeneDx
Classification: Pathogenic. Last evaluated: 2015-07-29. Review status: criteria provided, single submitter. Criteria: GeneDx Variant Classification (06012015). Collection method: clinical testing. Allele origin: germline. Affected: yes.
Comment: The c.7297delG deletion in the CHD7 gene causes a frameshift starting with codon Valine 2433, changesthis amino acid to a Serine residue and creates a premature Stop codon at position 10 of the new readingframe, denoted p.Val2433SerfsX10. This variant is predicted to cause loss of normal protein functioneither through protein truncation or nonsense-mediated mRNA decay. Although this deletion has not beenpreviously reported to our knowledge, we consider it to be a pathogenic variant.

NM_017780.4(CHD7):c.7297del (p.Val2433fs)

Gene: CHD7 (chromodomain helicase DNA binding protein 7; plus strand). Cytogenetic location: 8q12.2.
Variant type: Deletion.
Coding change: c.7297del on transcript NM_017780.4 (MANE Select); coding-DNA position 7297, one base deleted (G; older notation c.7297delG).
Protein change: p.Val2433fs; shifts the reading frame from valine 2433.
Molecular consequence: frameshift variant. On other transcripts: intron variant (1).
Genome position (GRCh38, 1-based): chr8:60,856,577, G deleted; the last of 2 consecutive G bases (chr8:60,856,576-60,856,577); deleting either gives the same sequence. VCF-style (leftmost placement, unchanged base first): chr8-60856575-TG-T. GRCh37 (hg19) VCF-style: chr8-61769134-TG-T.
Other names: c.7297del (LRG_176t1); c.1717-5652del (NM_001316690.1); short protein forms V2433fs.
Identifiers: ClinVar variation 419586 (VCV000419586.3), dbSNP rs1064793972, ClinGen allele CA16618681.